The following is an entry in ClinVar:

ClinVar aggregate classification (germline): Uncertain significance (1 of 4 stars; one submission).

Submission:

Labcorp Genetics (formerly Invitae), Labcorp
Classification: Uncertain significance. Last evaluated: 2022-09-27. Review status: criteria provided, single submitter. Criteria: Invitae Variant Classification Sherloc (09022015). Collection method: clinical testing. Allele origin: germline.
Comment: This sequence change creates a premature translational stop signal (p.Gln327Serfs*8) in the FSCN2 gene. It is expected to result in an absent or disrupted protein product. However, the current clinical and genetic evidence is not sufficient to establish whether loss-of-function variants in FSCN2 cause disease. This variant is not present in population databases (gnomAD no frequency). This variant has not been reported in the literature in individuals affected with FSCN2-related conditions. In summary, the available evidence is currently insufficient to determine the role of this variant in disease. Therefore, it has been classified as a Variant of Uncertain Significance.

NM_012418.4(FSCN2):c.979_980del (p.Gln327fs)

Gene: FSCN2 (fascin actin-bundling protein 2, retinal; plus strand). Cytogenetic location: 17q25.3.
Variant type: Microsatellite.
Coding change: c.979_980del on transcript NM_012418.4 (MANE Select); coding-DNA positions 979 to 980, 2 bases deleted (CA; older notation c.979_980delCA).
Protein change: p.Gln327fs; shifts the reading frame from glutamine 327.
Molecular consequence: frameshift variant.
Genome position (GRCh38, 1-based): chr17:81,535,204-81,535,205, CA deleted; deleting any 2 consecutive bases within chr17:81,535,200-81,535,205 gives the same sequence; the c. name uses the placement nearest the transcript's 3' end. VCF-style (leftmost placement, unchanged base first): chr17-81535199-CCA-C. GRCh37 (hg19) VCF-style: chr17-79502225-CCA-C.
Other names: c.979_980del, p.Gln327fs (NM_001077182.3); short protein forms Q327fs.
Identifiers: ClinVar variation 1970508 (VCV001970508.5), dbSNP rs2544449379, ClinGen allele CA2580613259.